The following is an entry in ClinVar:

NM_033028.5(BBS4):c.777_778del (p.Tyr259_Arg260delinsTer)

Gene: BBS4 (Bardet-Biedl syndrome 4; plus strand). Cytogenetic location: 15q24.1.
Variant type: Deletion.
Coding change: c.777_778del on transcript NM_033028.5 (MANE Select); coding-DNA positions 777 to 778, 2 bases deleted (CA; older notation c.777_778delCA).
Protein change: p.Tyr259_Arg260delinsTer.
Molecular consequence: nonsense. On other transcripts: non-coding transcript variant (2).
Genome position (GRCh38, 1-based): chr15:72,731,370-72,731,371, CA deleted; deleting any 2 consecutive bases within chr15:72,731,369-72,731,371 gives the same sequence; the c. name uses the placement nearest the transcript's 3' end. VCF-style (leftmost placement, unchanged base first): chr15-72731368-TAC-T. GRCh37 (hg19) VCF-style: chr15-73023709-TAC-T.
Other names: NM_033028.5:c.777_778del; c.261_262del, p.Tyr87_Arg88delinsTer (NM_001252678.2); c.708_709del, p.Tyr236_Arg237delinsTer (NM_001320665.2).
Identifiers: ClinVar variation 1209985 (VCV001209985.11), dbSNP rs1459736027, ClinGen allele CA393078407.

ClinVar aggregate classification (germline): Pathogenic/Likely pathogenic. Review status: criteria provided, multiple submitters, no conflicts (2 of 4 stars). 6 submissions from 5 submitters: Pathogenic (2); Likely pathogenic (2). 2 of the submissions do not count toward it. Last evaluated 2024-08-19.

Conditions:
Retinitis pigmentosa (RP). Identifiers: Orphanet 791, MedGen C0035334, MeSH D012174, MONDO:0019200, OMIM 268000. Inheritance: Autosomal dominant, autosomal recessive and X linked inheritance.
Bardet-Biedl syndrome (BBS). Identifiers: Orphanet 110, MedGen C0752166, MONDO:0015229.
Bardet-Biedl syndrome 4 (BBS4). Identifiers: Orphanet 110, MedGen C2936864, MONDO:0014433, OMIM 615982.

Submissions (6):

Labcorp Genetics (formerly Invitae), Labcorp
Classification: Pathogenic for Bardet-Biedl syndrome. Last evaluated: 2024-08-19. Review status: criteria provided, single submitter. Criteria: Invitae Variant Classification Sherloc (09022015). Collection method: clinical testing. Allele origin: germline.
Comment: This sequence change creates a premature translational stop signal (p.Tyr259*) in the BBS4 gene. It is expected to result in an absent or disrupted protein product. Loss-of-function variants in BBS4 are known to be pathogenic (PMID: 11381270, 12016587, 20177705, 27894351). This variant is not present in population databases (gnomAD no frequency). This variant has not been reported in the literature in individuals affected with BBS4-related conditions. ClinVar contains an entry for this variant (Variation ID: 1209985). For these reasons, this variant has been classified as Pathogenic.

Fulgent Genetics
Classification: Pathogenic for Bardet-Biedl syndrome 4. Last evaluated: 2024-04-04. Review status: criteria provided, single submitter. Criteria: ACMG Guidelines, 2015. Collection method: clinical testing. Allele origin: germline.

Broad Center for Mendelian Genomics, Broad Institute of MIT and Harvard
Classification: Likely pathogenic for Bardet-Biedl syndrome 4. Last evaluated: 2022-05-04. Review status: criteria provided, single submitter. Criteria: ACMG Guidelines, 2015. Collection method: curation. Allele origin: germline. Inheritance: Autosomal recessive inheritance.
Comment: The variant has not been previously reported in individuals with Bardet-Biedl syndrome 4 but has been identified in 0.0008790% (1/113764) of European non-Finnish chromosomes by the Genome Aggregation Database (gnomAD; dbSNP ID: rs144043892). Although this variant has been seen in the general population, its frequency is low enough to be consistent with a recessive carrier frequency. This nonsense variant leads to a premature termination codon at position 259, which is predicted to lead to a truncated or absent protein. Loss of function of the BBS4 gene is a moderately established disease mechanism in autosomal recessive Bardet-Biedl syndrome 4. In summary, although additional studies are required to fully establish its clinical significance, this variant is likely pathogenic. ACMG/AMP Criteria applied: PVS1_strong, PM2 (Richards 2015).

Broad Center for Mendelian Genomics, Broad Institute of MIT and Harvard
Classification: Likely pathogenic for Retinitis pigmentosa. Last evaluated: 2021-04-01. Review status: criteria provided, single submitter. Criteria: ACMG Guidelines, 2015. Collection method: curation. Allele origin: germline. Inheritance: Autosomal recessive inheritance. Affected: yes.
Comment: Based on this evidence we have classified this variant as Likely Pathogenic. If you have any questions about the classification please reach out to the Pierce Lab.

Genome Diagnostics Laboratory, Amsterdam University Medical Center
Classification: Pathogenic. Review status: no assertion criteria provided. Collection method: clinical testing. Allele origin: germline. Affected: yes. Study: VKGL Data-share Consensus. Not counted in ClinVar's aggregate classification.

Genome Diagnostics Laboratory, University Medical Center Utrecht
Classification: Pathogenic. Review status: no assertion criteria provided. Collection method: clinical testing. Allele origin: germline. Affected: yes. Study: VKGL Data-share Consensus. Not counted in ClinVar's aggregate classification.

Literature cited by the submitters: PubMed 11381270 (cited by Labcorp Genetics (formerly Invitae), Labcorp); PubMed 12016587 (cited by Labcorp Genetics (formerly Invitae), Labcorp); PubMed 20177705 (cited by Labcorp Genetics (formerly Invitae), Labcorp); PubMed 27894351 (cited by Labcorp Genetics (formerly Invitae), Labcorp); PubMed 34906470 (cited by Broad Center for Mendelian Genomics, Broad Institute of MIT and Harvard).